The following is an entry in ClinVar:

NM_000254.3(MTR):c.3492C>A (p.Arg1164=)

Gene: MTR (5-methyltetrahydrofolate-homocysteine methyltransferase; plus strand). Cytogenetic location: 1q43.
Variant type: single nucleotide variant.
Coding change: c.3492C>A on transcript NM_000254.3 (MANE Select); coding-DNA position 3492, C replaced by A.
Protein change: p.Arg1164=; no amino-acid change (arginine 1164 retained).
Molecular consequence: synonymous variant.
Genome position (GRCh38, 1-based): chr1:236,895,444, C>A. VCF-style: chr1-236895444-C-A. GRCh37 (hg19) VCF-style: chr1-237058744-C-A.
Other names: p.R1164R:CGC>CGA; p.Arg1164=; c.3339C>A, p.Arg1113= (NM_001291939.1); c.2271C>A, p.Arg757= (NM_001291940.2).
Identifiers: ClinVar variation 138283 (VCV000138283.21), dbSNP rs12070777, ClinGen allele CA292207.

ClinVar aggregate classification (germline): Benign. Review status: criteria provided, multiple submitters, no conflicts (2 of 4 stars). 9 submissions from 9 submitters: Benign (7). 2 of the submissions do not count toward it. Last evaluated 2026-02-04.

Conditions:
Disorders of Intracellular Cobalamin Metabolism. Identifiers: MedGen CN043592.
Methylcobalamin deficiency type cblG (HMAG). Also called: HOMOCYSTINURIA-MEGALOBLASTIC ANEMIA, cblG COMPLEMENTATION TYPE; HOMOCYSTINURIA-MEGALOBLASTIC ANEMIA, cblG TYPE; HOMOCYSTINURIA-MEGALOBLASTIC ANEMIA DUE TO DEFECT IN COBALAMIN METABOLISM, cblG COMPLEMENTATION TYPE; Functional methionine synthase deficiency type cblG. Identifiers: Orphanet 2170, Orphanet 622, MedGen C1855128, MONDO:0009609, OMIM 250940.

Allele frequency attached by ClinVar (database versions not stated): 1000 Genomes Project 30x 0.31808; 1000 Genomes Project 0.32149; ESP Exome Variant Server 0.34166; TOPMed 0.34437; gnomAD 0.34759 and 0.34762; gnomAD exomes 0.38691 and 0.39994; ExAC 0.43297.
gnomAD v4.1: 630,757 of 1,600,128 alleles (39%); highest among the groups gnomAD compares: East Asian, 46%; 127,060 homozygotes.

Submissions (9):

Labcorp Genetics (formerly Invitae), Labcorp
Classification: Benign for Methylcobalamin deficiency type cblG. Last evaluated: 2026-02-04. Review status: criteria provided, single submitter. Criteria: Invitae Variant Classification Sherloc (09022015). Collection method: clinical testing. Allele origin: germline.

Blueprint Genetics
Classification: Benign. Last evaluated: 2024-11-26. Review status: criteria provided, single submitter. Criteria: ACMG Guidelines, 2015. Collection method: clinical testing. Allele origin: germline.

Mayo Clinic Laboratories, Mayo Clinic
Classification: Benign. Last evaluated: 2022-03-03. Review status: criteria provided, single submitter. Criteria: ACMG Guidelines, 2015. Collection method: clinical testing. Allele origin: germline. Observed: 59 variant alleles.

Genome-Nilou Lab
Classification: Benign for Methylcobalamin deficiency type cblG. Last evaluated: 2021-09-05. Review status: criteria provided, single submitter. Criteria: ACMG Guidelines, 2015. Collection method: clinical testing. Allele origin: germline. Affected: no.

Illumina Laboratory Services, Illumina
Classification: Benign for Disorders of Intracellular Cobalamin Metabolism. Last evaluated: 2018-01-12. Review status: criteria provided, single submitter. Criteria: ICSL Variant Classification Criteria 13 December 2019. Collection method: clinical testing. Allele origin: germline.
Comment: This variant was observed in the ICSL laboratory as part of a predisposition screen in an ostensibly healthy population. It had not been previously curated by ICSL or reported in the Human Gene Mutation Database (HGMD: prior to June 1st, 2018), and was therefore a candidate for classification through an automated scoring system. Utilizing variant allele frequency, disease prevalence and penetrance estimates, and inheritance mode, an automated score was calculated to assess if this variant is too frequent to cause the disease. Based on the score and internal cut-off values, a variant classified as benign is not then subjected to further curation. The score for this variant resulted in a classification of benign for this disease.

GeneDx
Classification: Benign. Last evaluated: 2013-09-09. Review status: criteria provided, single submitter. Criteria: GeneDx Variant Classification (06012015). Collection method: clinical testing. Allele origin: germline. Affected: yes.
Comment: This variant is considered likely benign or benign based on one or more of the following criteria: it is a conservative change, it occurs at a poorly conserved position in the protein, it is predicted to be benign by multiple in silico algorithms, and/or has population frequency not consistent with disease.

Breakthrough Genomics
Classification: Benign. Review status: criteria provided, single submitter. Criteria: ACMG Guidelines, 2015. Collection method: not provided. Allele origin: germline. Inheritance: Autosomal recessive inheritance. Affected: yes.

Clinical Genetics, Academic Medical Center
Classification: Benign. Review status: no assertion criteria provided. Collection method: clinical testing. Allele origin: germline. Affected: yes. Study: VKGL Data-share Consensus. Not counted in ClinVar's aggregate classification.

Diagnostic Laboratory, Department of Genetics, University Medical Center Groningen
Classification: Benign. Review status: no assertion criteria provided. Collection method: clinical testing. Allele origin: germline. Affected: yes. Study: VKGL Data-share Consensus. Not counted in ClinVar's aggregate classification.